The following is an entry in ClinVar:

NM_001377405.1(ATXN7):c.2178T>C (p.Ser726=)

Gene: ATXN7 (ataxin 7; plus strand). Cytogenetic location: 3p14.1.
Variant type: single nucleotide variant.
Coding change: c.2178T>C on transcript NM_001377405.1 (MANE Select); coding-DNA position 2178, T replaced by C.
Protein change: p.Ser726=; no amino-acid change (serine 726 retained).
Molecular consequence: synonymous variant.
Genome position (GRCh38, 1-based): chr3:63,996,000, T>C. VCF-style: chr3-63996000-T-C. GRCh37 (hg19) VCF-style: chr3-63981676-T-C.
Other names: c.2178T>C, p.Ser726= (NM_000333.4, NM_001177387.1, NM_001377406.1); c.1743T>C, p.Ser581= (NM_001128149.3).
Identifiers: ClinVar variation 128517 (VCV000128517.7), dbSNP rs61736567, ClinGen allele CA152019.

ClinVar aggregate classification (germline): Likely benign. Review status: criteria provided, single submitter (1 of 4 stars). 2 submissions from 2 submitters: Likely benign (1). 1 of the submissions does not count toward it.

Allele frequency attached by ClinVar (database versions not stated): TOPMed 0.02190; ExAC 0.02259; gnomAD exomes 0.02273 and 0.03042; 1000 Genomes Project 30x 0.01421; gnomAD 0.02265 and 0.02214; ESP Exome Variant Server 0.02292; 1000 Genomes Project 0.01298.
gnomAD v4.1: 47,550 of 1,614,078 alleles (2.9%); highest among the groups gnomAD compares: Non-Finnish European, 3.5%; 761 homozygotes.

Submissions (2):

Breakthrough Genomics
Classification: Likely benign. Review status: criteria provided, single submitter. Criteria: ACMG Guidelines, 2015. Collection method: not provided. Allele origin: germline. Inheritance: Autosomal dominant inheritance. Affected: yes.

Genetic Services Laboratory, University of Chicago
Classification: Likely benign for AllHighlyPenetrant. Review status: no assertion criteria provided. Collection method: clinical testing. Allele origin: germline. Inheritance: Autosomal dominant inheritance. Not counted in ClinVar's aggregate classification.
Comment: Likely benign based on allele frequency in 1000 Genomes Project or ESP global frequency and its presence in a patient with a rare or unrelated disease phenotype. NOT Sanger confirmed.